The following is an entry in ClinVar:

ClinVar aggregate classification (germline): Uncertain significance (1 of 4 stars; one submission).

Conditions:
Saldino-Mainzer syndrome (SRTD9). Also called: CONORENAL SYNDROME; short-rib thoracic dysplasia 9 with or without polydactyly; Renal dysplasia, retinal pigmentary dystrophy, cerebellar ataxia and skeletal dysplasia; SHORT-RIB THORACIC DYSPLASIA 9 WITHOUT POLYDACTYLY. Identifiers: Orphanet 140969, MedGen C1849437, MONDO:0009964, OMIM 266920.

Allele frequency attached by ClinVar (database versions not stated): gnomAD exomes below 0.00001; TOPMed below 0.00001.
gnomAD v4.1: 1 of 1,611,154 alleles (0.000062%); highest among the groups gnomAD compares: South Asian, 0.0011%; no homozygotes.

Submission:

Labcorp Genetics (formerly Invitae), Labcorp
Classification: Uncertain significance for Saldino-Mainzer syndrome. Last evaluated: 2022-08-15. Review status: criteria provided, single submitter. Criteria: Invitae Variant Classification Sherloc (09022015). Collection method: clinical testing. Allele origin: germline.
Comment: In summary, the available evidence is currently insufficient to determine the role of this variant in disease. Therefore, it has been classified as a Variant of Uncertain Significance. Algorithms developed to predict the effect of missense changes on protein structure and function are either unavailable or do not agree on the potential impact of this missense change (SIFT: "Deleterious"; PolyPhen-2: "Probably Damaging"; Align-GVGD: "Class C0"). This variant has not been reported in the literature in individuals affected with IFT140-related conditions. This variant is not present in population databases (gnomAD no frequency). This sequence change replaces isoleucine, which is neutral and non-polar, with valine, which is neutral and non-polar, at codon 798 of the IFT140 protein (p.Ile798Val).

NM_014714.4(IFT140):c.2392A>G (p.Ile798Val)

Gene: IFT140 (intraflagellar transport 140; minus strand). Cytogenetic location: 16p13.3.
Variant type: single nucleotide variant.
Coding change: c.2392A>G on transcript NM_014714.4 (MANE Select); coding-DNA position 2392, A replaced by G.
Protein change: p.Ile798Val; replaces isoleucine 798 with valine.
Molecular consequence: missense variant.
Genome position (GRCh38, 1-based): chr16:1,557,942, T>C on the plus strand (A>G on the coding strand, the complement: IFT140 is on the minus strand). VCF-style: chr16-1557942-T-C. GRCh37 (hg19) VCF-style: chr16-1607943-T-C.
Other names: short protein forms I798V.
Identifiers: ClinVar variation 1716471 (VCV001716471.5), dbSNP rs2033193753, ClinGen allele CA394199813.